The following is an entry in ClinVar:

ClinVar aggregate classification (germline): Uncertain significance (1 of 4 stars; one submission).

Submission:

Labcorp Genetics (formerly Invitae), Labcorp
Classification: Uncertain significance. Last evaluated: 2024-11-18. Review status: criteria provided, single submitter. Criteria: Invitae Variant Classification Sherloc (09022015). Collection method: clinical testing. Allele origin: germline.
Comment: This sequence change replaces methionine, which is neutral and non-polar, with threonine, which is neutral and polar, at codon 377 of the PCDH12 protein (p.Met377Thr). This variant is not present in population databases (gnomAD no frequency). This variant has not been reported in the literature in individuals affected with PCDH12-related conditions. Invitae Evidence Modeling of protein sequence and biophysical properties (such as structural, functional, and spatial information, amino acid conservation, physicochemical variation, residue mobility, and thermodynamic stability) indicates that this missense variant is not expected to disrupt PCDH12 protein function with a negative predictive value of 95%. In summary, the available evidence is currently insufficient to determine the role of this variant in disease. Therefore, it has been classified as a Variant of Uncertain Significance.

NM_016580.4(PCDH12):c.1130T>C (p.Met377Thr)

Genes: PCDH12 (protocadherin 12; minus strand), RNF14 (ring finger protein 14; plus strand). Cytogenetic location: 5q31.3.
Variant type: single nucleotide variant.
Coding change: c.1130T>C on transcript NM_016580.4 (MANE Select); coding-DNA position 1130, T replaced by C.
Protein change: p.Met377Thr; replaces methionine 377 with threonine.
Molecular consequence: missense variant.
Genome position (GRCh38, 1-based): chr5:141,956,722, A>G on the plus strand (T>C on the coding strand, the complement: PCDH12 is on the minus strand). VCF-style: chr5-141956722-A-G. GRCh37 (hg19) VCF-style: chr5-141336287-A-G.
Other names: short protein forms M377T.
Identifiers: ClinVar variation 3700037 (VCV003700037.2).